The following is an entry in ClinVar:

ClinVar aggregate classification (germline): Likely benign (0 of 4 stars; one submission).

Conditions:
MYO16-related disorder. Also called: MYO16-related condition.

Allele frequency attached by ClinVar (database versions not stated): 1000 Genomes Project 30x 0.00031; 1000 Genomes Project 0.00040; ExAC 0.00101; TOPMed 0.00107; ESP Exome Variant Server 0.00115; gnomAD 0.00115.
gnomAD v4.1: 2,831 of 1,614,150 alleles (0.18%); highest among the groups gnomAD compares: Non-Finnish European, 0.22%; 6 homozygotes.

Submission:

PreventionGenetics, part of Exact Sciences
Classification: Likely benign for MYO16-related condition. Last evaluated: 2019-06-05. Review status: no assertion criteria provided. Collection method: clinical testing. Allele origin: germline.
Comment: This variant is classified as likely benign based on ACMG/AMP sequence variant interpretation guidelines (Richards et al. 2015 PMID: 25741868, with internal and published modifications).

NM_001198950.3(MYO16):c.5530G>A (p.Ala1844Thr)

Gene: MYO16 (myosin XVI; plus strand). Cytogenetic location: 13q33.3.
Variant type: single nucleotide variant.
Coding change: c.5530G>A on transcript NM_001198950.3 (MANE Select); coding-DNA position 5530, G replaced by A.
Protein change: p.Ala1844Thr; replaces alanine 1844 with threonine.
Molecular consequence: missense variant.
Genome position (GRCh38, 1-based): chr13:109,206,723, G>A. VCF-style: chr13-109206723-G-A. GRCh37 (hg19) VCF-style: chr13-109859071-G-A.
Other names: c.5464G>A, p.Ala1822Thr (NM_015011.3); short protein forms A1822T, A1844T.
Identifiers: ClinVar variation 3043647 (VCV003043647.2), dbSNP rs139848765, ClinGen allele CA7045974.